The following is an entry in ClinVar:

NM_017780.4(CHD7):c.7971+8C>T

Gene: CHD7 (chromodomain helicase DNA binding protein 7; plus strand). Cytogenetic location: 8q12.2.
Variant type: single nucleotide variant.
Coding change: c.7971+8C>T on transcript NM_017780.4 (MANE Select); 8 bases into the intron after coding-DNA position 7971, C replaced by T.
Molecular consequence: intron variant.
Genome position (GRCh38, 1-based): chr8:60,862,344, C>T. VCF-style: chr8-60862344-C-T. GRCh37 (hg19) VCF-style: chr8-61774903-C-T.
Other names: c.1824+8C>T (NM_001316690.1).
Identifiers: ClinVar variation 1143603 (VCV001143603.32), dbSNP rs1295446479, ClinGen allele CA581971088.
Genomic context (GRCh38, chr8:60,862,344, plus strand): 5'-CTTTGACAGGAGAAGAAAGGGTGCCTGTTGTCAATAAACGAAATGGGAAGAAGGTAAACG[C>T]TGGGAAAGGGAATTGATCACTATGCGATTTCTTAGCCCAGAAGGAAGTGTTTTATCCTGC-3'

ClinVar aggregate classification (germline): Conflicting classifications of pathogenicity. Review status: criteria provided, conflicting classifications (1 of 4 stars). 2 submissions from 2 submitters: Uncertain significance (1); Likely benign (1). Last evaluated 2025-02-24.

Conditions:
CHARGE syndrome (CHARGE). Also called: Hittner Hirsch Kreh syndrome; CHARGE ASSOCIATION--COLOBOMA, HEART ANOMALY, CHOANAL ATRESIA, RETARDATION, GENITAL AND EAR ANOMALIES; Coloboma, heart anomaly, choanal atresia, retardation, genital and ear anomalies; CHARGE association; Hall-Hittner syndrome. Identifiers: Orphanet 138, MedGen C0265354, MONDO:0008965.

Allele frequency attached by ClinVar (database versions not stated): gnomAD exomes 0.00002.
gnomAD v4.1: 30 of 1,597,320 alleles (0.0019%); highest among the groups gnomAD compares: Non-Finnish European, 0.0024%; no homozygotes.

Submissions (2):

Labcorp Genetics (formerly Invitae), Labcorp
Classification: Likely benign for CHARGE syndrome. Last evaluated: 2025-02-24. Review status: criteria provided, single submitter. Criteria: Invitae Variant Classification Sherloc (09022015). Collection method: clinical testing. Allele origin: germline.

CeGaT Center for Human Genetics Tuebingen
Classification: Uncertain significance. Last evaluated: 2023-07-01. Review status: criteria provided, single submitter. Criteria: CeGaT Center For Human Genetics Tuebingen Variant Classification Criteria Version 2. Collection method: clinical testing. Allele origin: germline. Affected: yes. Observed: 1 variant allele.
Comment: CHD7: PM2, BP4